The following is an entry in ClinVar:

NM_181882.3(PRX):c.2247A>G (p.Lys749=)

Gene: PRX (periaxin; minus strand). Cytogenetic location: 19q13.2.
Variant type: single nucleotide variant.
Coding change: c.2247A>G on transcript NM_181882.3 (MANE Select); coding-DNA position 2247, A replaced by G.
Protein change: p.Lys749=; no amino-acid change (lysine 749 retained).
Molecular consequence: synonymous variant. On other transcripts: 3 prime UTR variant (1).
Genome position (GRCh38, 1-based): chr19:40,396,105, T>C on the plus strand (A>G on the coding strand, the complement: PRX is on the minus strand). VCF-style: chr19-40396105-T-C. GRCh37 (hg19) VCF-style: chr19-40902012-T-C.
Other names: c.2532A>G, p.Lys844= (NM_001411127.1); c.*2452A>G (NM_020956.2).
Identifiers: ClinVar variation 2962963 (VCV002962963.5), dbSNP rs766307270, ClinGen allele CA9444100.

ClinVar aggregate classification (germline): Likely benign. Review status: criteria provided, single submitter (1 of 4 stars). 2 submissions from 2 submitters: Likely benign (1). 1 of the submissions does not count toward it. Last evaluated 2025-12-28.

Conditions:
Charcot-Marie-Tooth disease type 4. Also called: Charcot-Marie-Tooth, Type 4; Charcot-Marie-Tooth disease, type IV. Identifiers: Orphanet 64749, MedGen C4082197, MONDO:0018995.
PRX-related disorder. Also called: PRX-Related Disorders; PRX-related condition.

Allele frequency attached by ClinVar (database versions not stated): ExAC 0.00003; gnomAD 0.00019.
gnomAD v4.1: 49 of 1,614,068 alleles (0.003%); highest among the groups gnomAD compares: Admixed American, 0.07%; no homozygotes.

Submissions (2):

Labcorp Genetics (formerly Invitae), Labcorp
Classification: Likely benign for Charcot-Marie-Tooth disease type 4. Last evaluated: 2025-12-28. Review status: criteria provided, single submitter. Criteria: Invitae Variant Classification Sherloc (09022015). Collection method: clinical testing. Allele origin: germline.

PreventionGenetics, part of Exact Sciences
Classification: Likely benign for PRX-related condition. Last evaluated: 2019-02-22. Review status: no assertion criteria provided. Collection method: clinical testing. Allele origin: germline. Not counted in ClinVar's aggregate classification.
Comment: This variant is classified as likely benign based on ACMG/AMP sequence variant interpretation guidelines (Richards et al. 2015 PMID: 25741868, with internal and published modifications).